The following is an entry in ClinVar:

NM_002691.2(POLD1):c.587_589+1dupAGAG

Gene: POLD1 (DNA polymerase delta 1, catalytic subunit; plus strand). Cytogenetic location: 19q13.33.
Variant type: Microsatellite.
Coding change: c.587_589+1dupAGAG on transcript NM_002691.2; coding-DNA position 587 through the canonical splice donor site of the intron after coding-DNA position 589, 4 bases duplicated (AGAG).
Genome position (GRCh38, 1-based): chr19:50,402,122-50,402,125, AGAG duplicated; duplicating any 4 consecutive bases within chr19:50,402,119-50,402,125 gives the same sequence; the c. name uses the placement nearest the transcript's 3' end. VCF-style (leftmost placement, unchanged base first): chr19-50402118-C-CGAGA. GRCh37 (hg19) VCF-style: chr19-50905375-C-CGAGA.
Identifiers: ClinVar variation 1052119 (VCV001052119.49), dbSNP rs1060501829, ClinGen allele CA633897318.

ClinVar aggregate classification (germline): Uncertain significance. Review status: criteria provided, multiple submitters, no conflicts (2 of 4 stars). 2 submissions from 2 submitters: Uncertain significance (2). Last evaluated 2026-02-17.

Conditions:
POLD1-related polyposis and colorectal cancer syndrome (CRCS10). Also called: Colorectal cancer, susceptibility to, 10; Colorectal cancer 10; COLORECTAL CANCER, SUSCEPTIBILITY TO, ON CHROMOSOME 19q. Identifiers: Orphanet 220460, MedGen C2675481, MONDO:0012953, OMIM 612591.
Hereditary cancer-predisposing syndrome. Also called: Neoplastic Syndromes, Hereditary; Tumor predisposition; Hereditary Cancer Syndrome; Hereditary neoplastic syndrome. Identifiers: Orphanet 140162, MedGen C0027672, MeSH D009386, MONDO:0015356.

Submissions (2):

Ambry Genetics
Classification: Uncertain significance for Hereditary cancer-predisposing syndrome. Last evaluated: 2026-02-17. Review status: criteria provided, single submitter. Criteria: Ambry Variant Classification Scheme 2023. Collection method: clinical testing. Allele origin: germline.
Comment: The c.587_589+1dupAGAG intronic variant results from a duplication of four nucleotides within intron 4 of the POLD1 gene. This nucleotide region is generally well conserved in available vertebrate species. In silico splice site analysis predicts that this alteration will not have any significant effect on splicing. Based on the available evidence, the clinical significance of this variant remains unclear.

Labcorp Genetics (formerly Invitae), Labcorp
Classification: Uncertain significance for POLD1-related polyposis and colorectal cancer syndrome. Last evaluated: 2020-02-18. Review status: criteria provided, single submitter. Criteria: Invitae Variant Classification Sherloc (09022015). Collection method: clinical testing. Allele origin: germline.
Comment: This sequence change creates a premature translational stop signal (Ser197Argfs*56) in the POLD1 gene. It is expected to result in an absent or disrupted protein product. This variant is not present in population databases (ExAC no frequency). This variant has not been reported in the literature in individuals with POLD1-related conditions. The current clinical and genetic evidence is not sufficient to establish whether loss-of-function variants in POLD1 cause disease. Missense variants that disrupt the 3'-5' exonuclease (proof-reading) activity of the POLD1 protein, are associated with an increased risk for colonic adenomatous polyps and colon cancer (PMID: 23263490, 23447401). However loss-of-function variants, which result in an absent or severely disrupted POLD1 protein, and missense variants outside the exonuclease domain, are unlikely to be associated with polyposis or colon cancer. Without further clinical and genetic evidence, this variant has been classified as a Variant of Uncertain Significance.

Literature cited by the submitters: PubMed 23263490 (cited by Labcorp Genetics (formerly Invitae), Labcorp); PubMed 23447401 (cited by Labcorp Genetics (formerly Invitae), Labcorp).